The following is an entry in ClinVar:

ClinVar aggregate classification (germline): Uncertain significance. Review status: criteria provided, multiple submitters, no conflicts (2 of 4 stars). 2 submissions from 2 submitters: Uncertain significance (2). Last evaluated 2024-04-23.

Conditions:
Asphyxiating thoracic dystrophy 3. Also called: SHORT-RIB THORACIC DYSPLASIA 3 WITH OR WITHOUT POLYDACTYLY; POLYDACTYLY WITH NEONATAL CHONDRODYSTROPHY, TYPE I; SHORT-RIB THORACIC DYSPLASIA 3/6 WITH POLYDACTYLY, DIGENIC; Short rib polydactyly syndrome 2B; Saldino-Noonan Syndrome. Identifiers: Orphanet 474, Orphanet 93269, Orphanet 93270, Orphanet 93271, MedGen C0036069, MONDO:0013127, OMIM 613091.

Allele frequency attached by ClinVar (database versions not stated): TOPMed below 0.00001.
gnomAD v4.1: 18 of 1,604,416 alleles (0.0011%); highest among the groups gnomAD compares: Non-Finnish European, 0.0012%; no homozygotes.

Submissions (2):

Women's Health and Genetics/Laboratory Corporation of America, LabCorp
Classification: Uncertain significance. Last evaluated: 2024-04-23. Review status: criteria provided, single submitter. Criteria: LabCorp Variant Classification Summary - May 2015. Collection method: clinical testing. Allele origin: germline.
Comment: Variant summary: DYNC2H1 c.11438G>A (p.Arg3813His) results in a non-conservative amino acid change located in the Dynein heavy chain region D6 P-loop domain (IPR004273) of the encoded protein sequence. Four of five in-silico tools predict a damaging effect of the variant on protein function. The variant was absent in 237974 control chromosomes. c.11438G>A has been reported in the literature in individuals affected with Jeune asphyxiating thoracic dystrophy (examples: McInerney-Leo_2015, Silveira_2021). These data indicate that the variant may be associated with disease. To our knowledge, no experimental evidence demonstrating an impact on protein function has been reported. The following publications have been ascertained in the context of this evaluation (PMID: 25492405, 34529350). No submitters have cited clinical-significance assessments for this variant to ClinVar. Based on the evidence outlined above, the variant was classified as uncertain significance.

Juno Genomics, Hangzhou Juno Genomics, Inc
Classification: Uncertain significance for Asphyxiating thoracic dystrophy 3. Review status: criteria provided, single submitter. Criteria: ACMG Guidelines, 2015. Collection method: clinical testing. Allele origin: germline. Affected: yes.
Comment: Absent from controls (or at extremely low frequency if recessive) in Genome Aggregation Database, Exome Sequencing Project, 1000 Genomes Project, or Exome Aggregation Consortium.;Multiple lines of computational evidence support a deleterious effect on the gene or gene product (conservation, evolutionary, splicing impact, etc).;For recessive disorders, detected in trans with a pathogenic variant.

Literature cited by the submitters: PubMed 34529350 (cited by Women's Health and Genetics/Laboratory Corporation of America, LabCorp); PubMed 25492405 (cited by Women's Health and Genetics/Laboratory Corporation of America, LabCorp).

NM_001377.3(DYNC2H1):c.11417G>A (p.Arg3806His)

Gene: DYNC2H1 (dynein cytoplasmic 2 heavy chain 1; plus strand). Cytogenetic location: 11q22.3.
Variant type: single nucleotide variant.
Coding change: c.11417G>A on transcript NM_001377.3 (MANE Select); coding-DNA position 11417, G replaced by A.
Protein change: p.Arg3806His; replaces arginine 3806 with histidine.
Molecular consequence: missense variant.
Genome position (GRCh38, 1-based): chr11:103,307,755, G>A. VCF-style: chr11-103307755-G-A. GRCh37 (hg19) VCF-style: chr11-103178484-G-A.
Other names: c.11438G>A, p.Arg3813His (NM_001080463.2); c.11438G>A (NM_001080463.1); short protein forms R3806H, R3813H.
Identifiers: ClinVar variation 3251780 (VCV003251780.3), dbSNP rs1867364468.